The following is an entry in ClinVar:

NM_000454.5(SOD1):c.358G>T (p.Val120Phe)

Gene: SOD1 (superoxide dismutase 1; plus strand). Cytogenetic location: 21q22.11.
Variant type: single nucleotide variant.
Coding change: c.358G>T on transcript NM_000454.5 (MANE Select); coding-DNA position 358, G replaced by T.
Protein change: p.Val120Phe; replaces valine 120 with phenylalanine.
Molecular consequence: missense variant.
Genome position (GRCh38, 1-based): chr21:31,668,471, G>T. VCF-style: chr21-31668471-G-T. GRCh37 (hg19) VCF-style: chr21-33040784-G-T.
Other names: p.Val120Phe; short protein forms V120F.
Identifiers: ClinVar variation 3781334 (VCV003781334.1).

ClinVar aggregate classification (germline): Likely pathogenic (1 of 4 stars; one submission).

Conditions:
Amyotrophic lateral sclerosis type 1 (ALS1). Also called: AMYOTROPHIC LATERAL SCLEROSIS 1, FAMILIAL. Identifiers: Orphanet 803, MedGen C1862939, MONDO:0007103, OMIM 105400.

Submission:

Human Genome Lab, NIMHANS, National Institute of Mental Health and Neuro Sciences
Classification: Likely pathogenic for Amyotrophic lateral sclerosis type 1. Review status: criteria provided, single submitter. Criteria: ACMG Guidelines, 2015. Collection method: clinical testing. Allele origin: germline. Inheritance: Autosomal dominant inheritance. Affected: yes. Observed: 1 heterozygote.
Comment: The SOD1 gene encodes superoxide dismutase-1, a cytoplasmic antioxidant enzyme that metabolizes superoxide radicals to molecular oxygen and hydrogen peroxide, thus providing a defense against oxygen toxicity.The c.358G>T p.Val120Phe variant in the SOD1 gene is a missense mutation that results in the substitution of valine with phenylalanine at the 120th amino acid position of the SOD1 protein. This variant has been classified as likely pathogenic, as indicated by the presence of multiple criteria typically associated with pathogenicity, such as the absence of the variant in large population databases, which suggests it is not a common polymorphism .